The following is an entry in ClinVar:

ClinVar aggregate classification (germline): Pathogenic (1 of 4 stars; one submission).

Conditions:
Nemaline myopathy 2 (NEM2). Also called: Nemaline myopathy 2, autosomal recessive. Identifiers: MedGen C1850569, MONDO:0009725, OMIM 256030.

Submission:

Labcorp Genetics (formerly Invitae), Labcorp
Classification: Pathogenic for Nemaline myopathy 2. Last evaluated: 2023-10-17. Review status: criteria provided, single submitter. Criteria: Invitae Variant Classification Sherloc (09022015). Collection method: clinical testing. Allele origin: germline.
Comment: This sequence change creates a premature translational stop signal (p.Gln3911*) in the NEB gene. It is expected to result in an absent or disrupted protein product. Loss-of-function variants in NEB are known to be pathogenic (PMID: 25205138). This variant is not present in population databases (gnomAD no frequency). This variant has not been reported in the literature in individuals affected with NEB-related conditions. For these reasons, this variant has been classified as Pathogenic.

Literature cited by the submitters: PubMed 25205138.

NM_001164508.2(NEB):c.11731C>T (p.Gln3911Ter)

Gene: NEB (nebulin; minus strand). Cytogenetic location: 2q23.3.
Variant type: single nucleotide variant.
Coding change: c.11731C>T on transcript NM_001164508.2 (MANE Select); coding-DNA position 11731, C replaced by T.
Protein change: p.Gln3911Ter; replaces glutamine 3911 with a stop codon.
Molecular consequence: nonsense.
Genome position (GRCh38, 1-based): chr2:151,612,260, G>A on the plus strand (C>T on the coding strand, the complement: NEB is on the minus strand). VCF-style: chr2-151612260-G-A. GRCh37 (hg19) VCF-style: chr2-152468774-G-A.
Other names: c.11731C>T, p.Gln3911Ter (NM_001164507.2, NM_001271208.2); c.11002C>T, p.Gln3668Ter (NM_004543.5); short protein forms Q3668*, Q3911*.
Identifiers: ClinVar variation 3003668 (VCV003003668.3), dbSNP rs1174344987, ClinGen allele CA348780137.